The following is an entry in ClinVar:

NM_016169.4(SUFU):c.842C>T (p.Pro281Leu)

Gene: SUFU (SUFU negative regulator of hedgehog signaling; plus strand). Cytogenetic location: 10q24.32.
Variant type: single nucleotide variant.
Coding change: c.842C>T on transcript NM_016169.4 (MANE Select); coding-DNA position 842, C replaced by T.
Protein change: p.Pro281Leu; replaces proline 281 with leucine.
Molecular consequence: missense variant.
Genome position (GRCh38, 1-based): chr10:102,597,225, C>T. VCF-style: chr10-102597225-C-T. GRCh37 (hg19) VCF-style: chr10-104356982-C-T.
Other names: c.842C>T, p.Pro281Leu (NM_001178133.2); short protein forms P281L.
Identifiers: ClinVar variation 862742 (VCV000862742.10), dbSNP rs752387760, ClinGen allele CA5667782.

ClinVar aggregate classification (germline): Conflicting classifications of pathogenicity. Review status: criteria provided, conflicting classifications (1 of 4 stars). 2 submissions from 2 submitters: Uncertain significance (1); Likely benign (1). Last evaluated 2025-11-24.

Conditions:
Hereditary cancer-predisposing syndrome. Also called: Tumor predisposition; Hereditary Cancer Syndrome; Neoplastic Syndromes, Hereditary; Hereditary neoplastic syndrome. Identifiers: Orphanet 140162, MedGen C0027672, MeSH D009386, MONDO:0015356.
Gorlin syndrome. Also called: Nevoid Basal Cell Carcinoma Syndrome; Basal cell nevus syndrome. Identifiers: Orphanet 377, MedGen C0004779, MONDO:0007187.
Medulloblastoma (MDB). Also called: Medulloblastoma, somatic; MEDULLOBLASTOMA PREDISPOSITION SYNDROME. Identifiers: Orphanet 616, MedGen C0025149, MeSH D008527, MONDO:0007959, OMIM 155255, HP:0002885.

Allele frequency attached by ClinVar (database versions not stated): ExAC 0.00001; gnomAD exomes 0.00001; TOPMed 0.00001.
gnomAD v4.1: 14 of 1,613,966 alleles (0.00087%); highest among the groups gnomAD compares: Non-Finnish European, 0.0011%; no homozygotes.

Submissions (2):

Labcorp Genetics (formerly Invitae), Labcorp
Classification: Uncertain significance for Gorlin syndrome; Medulloblastoma. Last evaluated: 2025-11-24. Review status: criteria provided, single submitter. Criteria: Invitae Variant Classification Sherloc (09022015). Collection method: clinical testing. Allele origin: germline.
Comment: This sequence change replaces proline, which is neutral and non-polar, with leucine, which is neutral and non-polar, at codon 281 of the SUFU protein (p.Pro281Leu). This variant is present in population databases (rs752387760, gnomAD 0.002%). This variant has not been reported in the literature in individuals affected with SUFU-related conditions. ClinVar contains an entry for this variant (Variation ID: 862742). Invitae Evidence Modeling of protein sequence and biophysical properties (such as structural, functional, and spatial information, amino acid conservation, physicochemical variation, residue mobility, and thermodynamic stability) indicates that this missense variant is not expected to disrupt SUFU protein function with a negative predictive value of 80%. In summary, the available evidence is currently insufficient to determine the role of this variant in disease. Therefore, it has been classified as a Variant of Uncertain Significance.

Ambry Genetics
Classification: Likely benign for Hereditary cancer-predisposing syndrome. Last evaluated: 2023-02-17. Review status: criteria provided, single submitter. Criteria: Ambry Variant Classification Scheme 2023. Collection method: clinical testing. Allele origin: germline.